The following is an entry in ClinVar:

NM_004438.5(EPHA4):c.278G>T (p.Gly93Val)

Gene: EPHA4 (EPH receptor A4; minus strand). Cytogenetic location: 2q36.1.
Variant type: single nucleotide variant.
Coding change: c.278G>T on transcript NM_004438.5 (MANE Select); coding-DNA position 278, G replaced by T.
Protein change: p.Gly93Val; replaces glycine 93 with valine.
Molecular consequence: missense variant.
Genome position (GRCh38, 1-based): chr2:221,564,276, C>A on the plus strand (G>T on the coding strand, the complement: EPHA4 is on the minus strand). VCF-style: chr2-221564276-C-A. GRCh37 (hg19) VCF-style: chr2-222428996-C-A.
Other names: c.278G>T, p.Gly93Val (NM_001304536.2, NM_001363748.2); c.125G>T, p.Gly42Val (NM_001304537.2); short protein forms G93V, G42V.
Identifiers: ClinVar variation 4776524 (VCV004776524.1).

ClinVar aggregate classification (germline): Uncertain significance (1 of 4 stars; one submission).

Submission:

Labcorp Genetics (formerly Invitae), Labcorp
Classification: Uncertain significance. Last evaluated: 2025-09-12. Review status: criteria provided, single submitter. Criteria: Invitae Variant Classification Sherloc (09022015). Collection method: clinical testing. Allele origin: germline.
Comment: This sequence change replaces glycine, which is neutral and non-polar, with valine, which is neutral and non-polar, at codon 93 of the EPHA4 protein (p.Gly93Val). This variant is present in population databases (rs199555949, gnomAD 0.003%). This variant has not been reported in the literature in individuals affected with EPHA4-related conditions. Invitae Evidence Modeling of protein sequence and biophysical properties (such as structural, functional, and spatial information, amino acid conservation, physicochemical variation, residue mobility, and thermodynamic stability) indicates that this missense variant is not expected to disrupt EPHA4 protein function with a negative predictive value of 80%. In summary, the available evidence is currently insufficient to determine the role of this variant in disease. Therefore, it has been classified as a Variant of Uncertain Significance.